The following is an entry in ClinVar:

ClinVar aggregate classification (germline): Uncertain significance (1 of 4 stars; one submission).

Conditions:
Charcot-Marie-Tooth disease type 4. Also called: Charcot-Marie-Tooth, Type 4; Charcot-Marie-Tooth disease, type IV. Identifiers: Orphanet 64749, MedGen C4082197, MONDO:0018995.

gnomAD v4.1: 1 of 1,614,080 alleles (0.000062%); highest among the groups gnomAD compares: Non-Finnish European, 0.000085%; no homozygotes.

Submission:

Labcorp Genetics (formerly Invitae), Labcorp
Classification: Uncertain significance for Charcot-Marie-Tooth disease type 4. Last evaluated: 2024-11-24. Review status: criteria provided, single submitter. Criteria: Invitae Variant Classification Sherloc (09022015). Collection method: clinical testing. Allele origin: germline.
Comment: This sequence change replaces glycine, which is neutral and non-polar, with arginine, which is basic and polar, at codon 483 of the SBF2 protein (p.Gly483Arg). This variant is not present in population databases (gnomAD no frequency). This variant has not been reported in the literature in individuals affected with SBF2-related conditions. Invitae Evidence Modeling of protein sequence and biophysical properties (such as structural, functional, and spatial information, amino acid conservation, physicochemical variation, residue mobility, and thermodynamic stability) indicates that this missense variant is expected to disrupt SBF2 protein function with a positive predictive value of 80%. In summary, the available evidence is currently insufficient to determine the role of this variant in disease. Therefore, it has been classified as a Variant of Uncertain Significance.

NM_030962.4(SBF2):c.1447G>C (p.Gly483Arg)

Gene: SBF2 (SET binding factor 2; minus strand). Cytogenetic location: 11p15.4.
Variant type: single nucleotide variant.
Coding change: c.1447G>C on transcript NM_030962.4 (MANE Select); coding-DNA position 1447, G replaced by C.
Protein change: p.Gly483Arg; replaces glycine 483 with arginine.
Molecular consequence: missense variant.
Genome position (GRCh38, 1-based): chr11:9,968,494, C>G on the plus strand (G>C on the coding strand, the complement: SBF2 is on the minus strand). VCF-style: chr11-9968494-C-G. GRCh37 (hg19) VCF-style: chr11-9990041-C-G.
Other names: c.1447G>C, p.Gly483Arg (NM_001386339.1); c.1318G>C, p.Gly440Arg (NM_001386342.1); c.1483G>C, p.Gly495Arg (NM_001424318.1, NM_001425069.1, NM_001425070.1); short protein forms G440R, G483R, G495R.
Identifiers: ClinVar variation 3708999 (VCV003708999.2).